The following is an entry in ClinVar:

NM_005560.6(LAMA5):c.1134C>T (p.Arg378=)

Gene: LAMA5 (laminin subunit alpha 5; minus strand). Cytogenetic location: 20q13.33.
Variant type: single nucleotide variant.
Coding change: c.1134C>T on transcript NM_005560.6 (MANE Select); coding-DNA position 1134, C replaced by T.
Protein change: p.Arg378=; no amino-acid change (arginine 378 retained).
Molecular consequence: synonymous variant.
Genome position (GRCh38, 1-based): chr20:62,346,739, G>A on the plus strand (C>T on the coding strand, the complement: LAMA5 is on the minus strand). VCF-style: chr20-62346739-G-A. GRCh37 (hg19) VCF-style: chr20-60921795-G-A.
Identifiers: ClinVar variation 738360 (VCV000738360.13), dbSNP rs142876888, ClinGen allele CA9944083.

ClinVar aggregate classification (germline): Benign/Likely benign. Review status: criteria provided, multiple submitters, no conflicts (2 of 4 stars). 4 submissions from 4 submitters: Benign (2); Likely benign (1). 1 of the submissions does not count toward it. Last evaluated 2025-08-04.

Conditions:
LAMA5-related disorder. Also called: LAMA5-related condition; LAMA5-Related Disorders.

Allele frequency attached by ClinVar (database versions not stated): gnomAD exomes 0.00019 and 0.00036; ExAC 0.00045; gnomAD 0.00078; TOPMed 0.00086; ESP Exome Variant Server 0.00100; 1000 Genomes Project 30x 0.00125; 1000 Genomes Project 0.00140.
gnomAD v4.1: 401 of 1,613,164 alleles (0.025%); highest among the groups gnomAD compares: African/African-American, 0.28%; 3 homozygotes.

Submissions (4):

Labcorp Genetics (formerly Invitae), Labcorp
Classification: Benign. Last evaluated: 2025-08-04. Review status: criteria provided, single submitter. Criteria: Invitae Variant Classification Sherloc (09022015). Collection method: clinical testing. Allele origin: germline.

Blueprint Genetics
Classification: Likely benign. Last evaluated: 2024-11-27. Review status: criteria provided, single submitter. Criteria: ACMG Guidelines, 2015. Collection method: clinical testing. Allele origin: germline.

Breakthrough Genomics
Classification: Benign. Review status: criteria provided, single submitter. Criteria: ACMG Guidelines, 2015. Collection method: not provided. Allele origin: germline. Inheritance: Autosomal recessive inheritance. Affected: yes.

PreventionGenetics, part of Exact Sciences
Classification: Likely benign for LAMA5-related condition. Last evaluated: 2019-06-17. Review status: no assertion criteria provided. Collection method: clinical testing. Allele origin: germline. Not counted in ClinVar's aggregate classification.
Comment: This variant is classified as likely benign based on ACMG/AMP sequence variant interpretation guidelines (Richards et al. 2015 PMID: 25741868, with internal and published modifications).